The following is an entry in ClinVar:

ClinVar aggregate classification (germline): Conflicting classifications of pathogenicity. Review status: criteria provided, conflicting classifications (1 of 4 stars). 3 submissions from 3 submitters: Uncertain significance (2); Likely benign (1). Last evaluated 2026-01-16.

Conditions:
FLNC-related disorder. Also called: FLNC-related disorders; FLNC-related condition.
Cardiovascular phenotype. Identifiers: MedGen CN230736.
Hypertrophic cardiomyopathy 26. Also called: Cardiomyopathy, familial hypertrophic, 26. Identifiers: Orphanet 75249, MedGen C4310749, MONDO:0014883, OMIM 617047.
Distal myopathy with posterior leg and anterior hand involvement. Also called: WILLIAMS DISTAL MYOPATHY. Identifiers: Orphanet 63273, MedGen C3279722, MONDO:0013550, OMIM 614065.
Myofibrillar myopathy 5. Also called: Filaminopathy (type); FILAMINOPATHY, AUTOSOMAL DOMINANT. Identifiers: Orphanet 171445, MedGen C1836050, MONDO:0012289, OMIM 609524.

Allele frequency attached by ClinVar (database versions not stated): gnomAD exomes 0.00001 and 0.00002; TOPMed 0.00002; ExAC 0.00003; gnomAD 0.00003.
gnomAD v4.1: 16 of 1,613,140 alleles (0.00099%); highest among the groups gnomAD compares: African/African-American, 0.004%; no homozygotes.

Submissions (3):

PreventionGenetics, part of Exact Sciences
Classification: Uncertain significance for FLNC-related condition. Last evaluated: 2026-01-16. Review status: criteria provided, single submitter. Criteria: ACMG Guidelines, 2015. Collection method: clinical testing. Allele origin: germline.
Comment: The FLNC c.6569G>A variant is predicted to result in the amino acid substitution p.Arg2190His. This variant has been reported as a variant of uncertain significance in an individual with unexplained cardiac arrest (Table S5, Grondin et al. 2022. PubMed ID: 35352813). This variant is reported in 0.0084% of alleles in individuals of African descent in gnomAD. At this time, the clinical significance of this variant is uncertain due to the absence of conclusive functional and genetic evidence.

Labcorp Genetics (formerly Invitae), Labcorp
Classification: Likely benign for Distal myopathy with posterior leg and anterior hand involvement; Myofibrillar myopathy 5; Hypertrophic cardiomyopathy 26. Last evaluated: 2025-02-02. Review status: criteria provided, single submitter. Criteria: Invitae Variant Classification Sherloc (09022015). Collection method: clinical testing. Allele origin: germline.

Ambry Genetics
Classification: Uncertain significance for Cardiovascular phenotype. Last evaluated: 2025-01-13. Review status: criteria provided, single submitter. Criteria: Ambry Variant Classification Scheme 2023. Collection method: clinical testing. Allele origin: germline.
Comment: The p.R2190H variant (also known as c.6569G>A), located in coding exon 40 of the FLNC gene, results from a G to A substitution at nucleotide position 6569. The arginine at codon 2190 is replaced by histidine, an amino acid with highly similar properties. This amino acid position is highly conserved in available vertebrate species. In addition, the in silico prediction for this alteration is inconclusive. Since supporting evidence is limited at this time, the clinical significance of this alteration remains unclear.

Literature cited by the submitters: PubMed 35352813 (cited by Ambry Genetics).

NM_001458.5(FLNC):c.6569G>A (p.Arg2190His)

Genes: FLNC (filamin C; plus strand), FLNC-AS1 (FLNC antisense RNA 1; minus strand). Cytogenetic location: 7q32.1.
Variant type: single nucleotide variant.
Coding change: c.6569G>A on transcript NM_001458.5 (MANE Select); coding-DNA position 6569, G replaced by A.
Protein change: p.Arg2190His; replaces arginine 2190 with histidine.
Molecular consequence: missense variant.
Genome position (GRCh38, 1-based): chr7:128,854,058, G>A. VCF-style: chr7-128854058-G-A. GRCh37 (hg19) VCF-style: chr7-128494112-G-A.
Other names: c.6470G>A, p.Arg2157His (NM_001127487.2); short protein forms R2190H, R2157H.
Identifiers: ClinVar variation 539415 (VCV000539415.11), dbSNP rs762680314, ClinGen allele CA4476018.
Genomic context (GRCh38, chr7:128,854,058, plus strand): 5'-CCCAGGAGCGCCTGACACGCACCTTCACACGCAGCAGCCACACCTACACCCGCACGGAGC[G>A]CACGGAGATCAGCAAGACGCGGGGCGGGGAGACAAAGCGCGAGGTGCGGGTGGAGGAGTC-3'
Protein context (NP_001449.3, residues 2180-2200): RSSHTYTRTE[Arg2190His]TEISKTRGGE